The following is an entry in ClinVar:

ClinVar aggregate classification (germline): Uncertain significance (1 of 4 stars; one submission).

Conditions:
Fanconi anemia complementation group J. Also called: BRIP1-Related Fanconi Anemia. Identifiers: Orphanet 84, MedGen C1836860, MONDO:0012187, OMIM 609054.
Familial cancer of breast. Also called: BREAST CANCER, FAMILIAL; Hereditary breast cancer; hereditary breast carcinoma. Identifiers: Orphanet 227535, MedGen C0346153, MONDO:0016419, OMIM 114480. Disease mechanism: loss of function.

Submission:

Labcorp Genetics (formerly Invitae), Labcorp
Classification: Uncertain significance for Familial cancer of breast; Fanconi anemia complementation group J. Last evaluated: 2020-09-13. Review status: criteria provided, single submitter. Criteria: Invitae Variant Classification Sherloc (09022015). Collection method: clinical testing. Allele origin: germline.
Comment: This sequence change replaces threonine with proline at codon 192 of the BRIP1 protein (p.Thr192Pro). The threonine residue is weakly conserved and there is a small physicochemical difference between threonine and proline. This variant is not present in population databases (ExAC no frequency). This variant has not been reported in the literature in individuals with BRIP1-related conditions. Algorithms developed to predict the effect of missense changes on protein structure and function output the following: SIFT: "Tolerated"; PolyPhen-2: "Benign"; Align-GVGD: "Class C0". The proline amino acid residue is found in multiple mammalian species, suggesting that this missense change does not adversely affect protein function. These predictions have not been confirmed by published functional studies and their clinical significance is uncertain. In summary, the available evidence is currently insufficient to determine the role of this variant in disease. Therefore, it has been classified as a Variant of Uncertain Significance.

NM_032043.3(BRIP1):c.574A>C (p.Thr192Pro)

Gene: BRIP1 (BRCA1 interacting DNA helicase 1; minus strand). Cytogenetic location: 17q23.2.
Variant type: single nucleotide variant.
Coding change: c.574A>C on transcript NM_032043.3 (MANE Select); coding-DNA position 574, A replaced by C.
Protein change: p.Thr192Pro; replaces threonine 192 with proline.
Molecular consequence: missense variant.
Genome position (GRCh38, 1-based): chr17:61,847,154, T>G on the plus strand (A>C on the coding strand, the complement: BRIP1 is on the minus strand). VCF-style: chr17-61847154-T-G. GRCh37 (hg19) VCF-style: chr17-59924515-T-G.
Other names: short protein forms T192P.
Identifiers: ClinVar variation 1045209 (VCV001045209.9), dbSNP rs2078747261, ClinGen allele CA400483044.
Genomic context (GRCh38, chr17:61,847,154, plus strand): 5'-TACATACTTTCTGTGGCGAAAAGGAGTTTATCTTTTCCAGTGGAGAGTTGAGTTTTACAG[T>G]CTTTCCTGAATCAACTTTTGCATCCAAATTGTGTACTTCTGTTCCAAAGCAATGACGTTT-3'
Protein context (NP_114432.2, residues 182-202): NLDAKVDSGK[Thr192Pro]VKLNSPLEKI